The following is an entry in ClinVar:

NM_001376.5(DYNC1H1):c.3565-322C>A

Gene: DYNC1H1 (dynein cytoplasmic 1 heavy chain 1; plus strand). Cytogenetic location: 14q32.31.
Variant type: single nucleotide variant.
Coding change: c.3565-322C>A on transcript NM_001376.5 (MANE Select); 322 bases into the intron before coding-DNA position 3565, C replaced by A.
Molecular consequence: intron variant.
Genome position (GRCh38, 1-based): chr14:101,996,713, C>A. VCF-style: chr14-101996713-C-A. GRCh37 (hg19) VCF-style: chr14-102463050-C-A.
Identifiers: ClinVar variation 668896 (VCV000668896.1), dbSNP rs7155842, ClinGen allele CA14037199.
Genomic context (GRCh38, chr14:101,996,713, plus strand): 5'-CACCTGTCACCCAGGCTGGAGTGCAGTGGCAGGATCCTAGCTCACTGCAGCCTCAATCTC[C>A]CGGGCTCAAACAATCCTCCCACCTCAGTCTCTTGAGTAGCTGGGACTACAGATACATGCC-3'

ClinVar aggregate classification (germline): Benign (1 of 4 stars; one submission).

Allele frequency attached by ClinVar (database versions not stated): gnomAD 0.28213 and 0.28794; TOPMed 0.29354; 1000 Genomes Project 0.30811; 1000 Genomes Project 30x 0.31027.
gnomAD v4.1: 42,697 of 151,980 alleles (28%); highest among the groups gnomAD compares: African/African-American, 53%; 7,857 homozygotes.

Submission:

GeneDx
Classification: Benign. Last evaluated: 2018-06-19. Review status: criteria provided, single submitter. Criteria: GeneDx Variant Classification (06012015). Collection method: clinical testing. Allele origin: germline. Affected: yes.
Comment: This variant is considered likely benign or benign based on one or more of the following criteria: it is a conservative change, it occurs at a poorly conserved position in the protein, it is predicted to be benign by multiple in silico algorithms, and/or has population frequency not consistent with disease.